The following is an entry in ClinVar:

ClinVar aggregate classification (germline): Uncertain significance (1 of 4 stars; one submission).

Conditions:
Neuropathy, hereditary sensory and autonomic, type 2A (HSAN2A). Also called: ACROOSTEOLYSIS, GIACCAI TYPE; ACROOSTEOLYSIS, NEUROGENIC; MORVAN DISEASE; NEUROPATHY, CONGENITAL SENSORY; NEUROPATHY, HEREDITARY SENSORY RADICULAR, AUTOSOMAL RECESSIVE; NEUROPATHY, HEREDITARY SENSORY, TYPE IIA. Identifiers: Orphanet 970, MedGen C2752089, MONDO:0024309, OMIM 201300.
Pseudohypoaldosteronism type 2C (PHA2C). Also called: Pseudohypoaldosteronism Type IIC. Identifiers: Orphanet 757, Orphanet 88940, MedGen C1840391, MONDO:0013778, OMIM 614492.

gnomAD v4.1: 2 of 1,613,866 alleles (0.00012%); highest among the groups gnomAD compares: Non-Finnish European, 0.00017%; no homozygotes.

Submission:

Labcorp Genetics (formerly Invitae), Labcorp
Classification: Uncertain significance for Neuropathy, hereditary sensory and autonomic, type 2A; Pseudohypoaldosteronism type 2C. Last evaluated: 2024-06-13. Review status: criteria provided, single submitter. Criteria: Invitae Variant Classification Sherloc (09022015). Collection method: clinical testing. Allele origin: germline.
Comment: This sequence change replaces alanine, which is neutral and non-polar, with proline, which is neutral and non-polar, at codon 2476 of the WNK1 protein (p.Ala2476Pro). This variant is not present in population databases (gnomAD no frequency). This variant has not been reported in the literature in individuals affected with WNK1-related conditions. Advanced modeling of protein sequence and biophysical properties (such as structural, functional, and spatial information, amino acid conservation, physicochemical variation, residue mobility, and thermodynamic stability) performed at Invitae indicates that this missense variant is not expected to disrupt WNK1 protein function with a negative predictive value of 95%. In summary, the available evidence is currently insufficient to determine the role of this variant in disease. Therefore, it has been classified as a Variant of Uncertain Significance.

NM_018979.4(WNK1):c.6670G>C (p.Ala2224Pro)

Gene: WNK1 (WNK lysine deficient protein kinase 1; plus strand). Cytogenetic location: 12p13.33.
Variant type: single nucleotide variant.
Coding change: c.6670G>C on transcript NM_018979.4 (MANE Select); coding-DNA position 6670, G replaced by C.
Protein change: p.Ala2224Pro; replaces alanine 2224 with proline.
Molecular consequence: missense variant.
Genome position (GRCh38, 1-based): chr12:907,873, G>C. VCF-style: chr12-907873-G-C. GRCh37 (hg19) VCF-style: chr12-1017039-G-C.
Other names: c.7450G>C, p.Ala2484Pro (NM_001184985.2); c.5926G>C, p.Ala1976Pro (NM_014823.3); c.7426G>C, p.Ala2476Pro (NM_213655.5); short protein forms A1976P, A2224P, A2476P, A2484P.
Identifiers: ClinVar variation 3753845 (VCV003753845.2).